The following is an entry in ClinVar:

ClinVar aggregate classification (germline): Likely pathogenic (1 of 4 stars; one submission).

Conditions:
RNU2-2 related disorder.

Submission:

Institute for Human Genetics, University Hospital Essen
Classification: Likely pathogenic for RNU2-2 related disorder. Last evaluated: 2025-11-27. Review status: criteria provided, single submitter. Criteria: Submitter's publication. Collection method: clinical testing. Allele origin: de novo. Inheritance: Autosomal unknown. Affected: yes. Observed: 2 variant alleles, 1 heterozygote, 1 compound heterozygote.
Comment: PS4_supp, PS2_mod, PM1, PM2_supp, PM3 (criteria rationale detailed in Leitão et al. Nature Genetics 2026)

NR_199791.1(RNU2-2):n.6T>C

Genes: RNU2-2 (RNA, U2 small nuclear 2; minus strand), WDR74 (WD repeat domain 74; minus strand). Cytogenetic location: 11q12.3.
Variant type: single nucleotide variant.
Molecular consequence: non-coding transcript variant (on NR_199791.1). On other transcripts: 5 prime UTR variant (1).
Genome position: GRCh38 VCF-style: chr11-62841804-A-G. GRCh37 (hg19) VCF-style: chr11-62609276-A-G.
Other names: c.-533T>C (NM_001369451.1).
Identifiers: ClinVar variation 4540489 (VCV004540489.1).
Genomic context (GRCh38, chr11:62,841,804, plus strand): 5'-TATCAGATATTAAACTGATAAGAACAGATACTACACTTGATCTTAGCCAAAAGGCCGAGA[A>G]GCGATACCTTTACTTCGGTCGCCTCGGCGGCCTTATCCTTCCCATCTTCCAACCAGTTAT-3'